The following is an entry in ClinVar:

ClinVar aggregate classification (germline): Uncertain significance (1 of 4 stars; one submission).

Conditions:
Primary ciliary dyskinesia 23 (CILD23). Also called: CILIARY DYSKINESIA, PRIMARY, 23, WITH OR WITHOUT SITUS INVERSUS. Identifiers: Orphanet 244, MedGen C3809548, MONDO:0014193, OMIM 615451.

Allele frequency attached by ClinVar (database versions not stated): gnomAD exomes below 0.00001; gnomAD 0.00001; TOPMed 0.00001.
gnomAD v4.1: 3 of 1,613,858 alleles (0.00019%); highest among the groups gnomAD compares: African/African-American, 0.0027%; no homozygotes.

Submission:

Labcorp Genetics (formerly Invitae), Labcorp
Classification: Uncertain significance for Primary ciliary dyskinesia 23. Last evaluated: 2018-11-20. Review status: criteria provided, single submitter. Criteria: Invitae Variant Classification Sherloc (09022015). Collection method: clinical testing. Allele origin: germline.
Comment: This variant is not present in population databases (ExAC no frequency). In summary, the available evidence is currently insufficient to determine the role of this variant in disease. Therefore, it has been classified as a Variant of Uncertain Significance. Algorithms developed to predict the effect of missense changes on protein structure and function are either unavailable or do not agree on the potential impact of this missense change (SIFT: "Deleterious"; PolyPhen-2: "Possibly Damaging"; Align-GVGD: "Class C0"). This variant has not been reported in the literature in individuals with ARMC4-related disease. This sequence change replaces glycine with serine at codon 536 of the ARMC4 protein (p.Gly536Ser). The glycine residue is highly conserved and there is a small physicochemical difference between glycine and serine.

NM_018076.5(ODAD2):c.1606G>A (p.Gly536Ser)

Gene: ODAD2 (outer dynein arm docking complex subunit 2; minus strand). Cytogenetic location: 10p12.1.
Variant type: single nucleotide variant.
Coding change: c.1606G>A on transcript NM_018076.5 (MANE Select); coding-DNA position 1606, G replaced by A.
Protein change: p.Gly536Ser; replaces glycine 536 with serine.
Molecular consequence: missense variant.
Genome position (GRCh38, 1-based): chr10:27,944,359, C>T on the plus strand (G>A on the coding strand, the complement: ODAD2 is on the minus strand). VCF-style: chr10-27944359-C-T. GRCh37 (hg19) VCF-style: chr10-28233288-C-T.
Other names: c.1606G>A, p.Gly536Ser (NM_001290020.2); c.181G>A, p.Gly61Ser (NM_001290021.2); c.682G>A, p.Gly228Ser (NM_001312689.2); short protein forms G536S, G228S, G61S.
Identifiers: ClinVar variation 655476 (VCV000655476.8), dbSNP rs1334827223, ClinGen allele CA376393138.